The following is an entry in ClinVar:

ClinVar aggregate classification (germline): Conflicting classifications of pathogenicity. Review status: criteria provided, conflicting classifications (1 of 4 stars). 6 submissions from 6 submitters: Uncertain significance (5); Likely benign (1). Last evaluated 2026-09-12.

Conditions:
PKD1-related disorder. Also called: PKD1-related condition.
Inborn genetic diseases. Identifiers: MedGen C0950123, MeSH D030342.
Polycystic kidney disease, adult type (PKD1). Also called: Polycystic Kidney, Autosomal Dominant; Polycystic Kidney Disease 1, Autosomal Dominant; Polycystic kidney disease 1; Polycystic kidney disease 1, severe; POLYCYSTIC KIDNEY DISEASE, ADULT, TYPE I; POLYCYSTIC KIDNEY DISEASE 1 WITH OR WITHOUT POLYCYSTIC LIVER DISEASE. Identifiers: MedGen C3149841, MONDO:0008263, OMIM 173900.

Allele frequency attached by ClinVar (database versions not stated): gnomAD 0.00001; gnomAD exomes 0.00005; TOPMed 0.00005; ExAC 0.00007.
gnomAD v4.1: 72 of 1,543,142 alleles (0.0047%); highest among the groups gnomAD compares: Admixed American, 0.018%; no homozygotes.

Submissions (6):

GeneDx
Classification: Uncertain significance. Last evaluated: 2026-09-12. Review status: criteria provided, single submitter. Criteria: GeneDx Variant Classification Process June 2021. Collection method: clinical testing. Allele origin: germline.
Comment: In silico analysis supports that this missense variant has a deleterious effect on protein structure/function; Has not been previously published as pathogenic or benign to our knowledge

Fulgent Genetics
Classification: Likely benign for Polycystic kidney disease, adult type. Last evaluated: 2024-05-14. Review status: criteria provided, single submitter. Criteria: ACMG Guidelines, 2015. Collection method: clinical testing. Allele origin: germline.

Department of Pathology and Laboratory Medicine, Sinai Health System
Classification: Uncertain significance for Polycystic kidney disease, adult type. Last evaluated: 2023-11-06. Review status: criteria provided, single submitter. Criteria: ACMG Guidelines, 2015. Collection method: clinical testing. Allele origin: germline. Affected: yes.

PreventionGenetics, part of Exact Sciences
Classification: Uncertain significance for PKD1-related condition. Last evaluated: 2023-08-16. Review status: criteria provided, single submitter. Criteria: ACMG Guidelines, 2015. Collection method: clinical testing. Allele origin: germline.
Comment: The PKD1 c.7064C>T variant is predicted to result in the amino acid substitution p.Thr2355Met. To our knowledge, this variant has not been reported in the literature. This variant is reported in 0.013% of alleles in individuals of South Asian descent in gnomAD. At this time, the clinical significance of this variant is uncertain due to the absence of conclusive functional and genetic evidence.

Ambry Genetics
Classification: Uncertain significance for Inborn genetic diseases. Last evaluated: 2021-08-13. Review status: criteria provided, single submitter. Criteria: Ambry Variant Classification Scheme 2023. Collection method: clinical testing. Allele origin: germline.

CeGaT Center for Human Genetics Tuebingen
Classification: Uncertain significance. Last evaluated: 2018-10-01. Review status: criteria provided, single submitter. Criteria: CeGaT Center For Human Genetics Tuebingen Variant Classification Criteria Version 2. Collection method: clinical testing. Allele origin: germline. Affected: yes. Observed: 1 variant allele.

NM_001009944.3(PKD1):c.7064C>T (p.Thr2355Met)

Gene: PKD1 (polycystin 1, transient receptor potential channel interacting; minus strand). Cytogenetic location: 16p13.3.
Variant type: single nucleotide variant.
Coding change: c.7064C>T on transcript NM_001009944.3 (MANE Select); coding-DNA position 7064, C replaced by T.
Protein change: p.Thr2355Met; replaces threonine 2355 with methionine.
Molecular consequence: missense variant.
Genome position (GRCh38, 1-based): chr16:2,107,884, G>A on the plus strand (C>T on the coding strand, the complement: PKD1 is on the minus strand). VCF-style: chr16-2107884-G-A. GRCh37 (hg19) VCF-style: chr16-2157885-G-A.
Other names: c.7064C>T, p.Thr2355Met (NM_000296.4); c.7064C>T (NM_001009944.2, NM_000296.3); short protein forms T2355M.
Identifiers: ClinVar variation 807954 (VCV000807954.48), dbSNP rs758620810, ClinGen allele CA7831336.